The following is an entry in ClinVar:

ClinVar aggregate classification (germline): Uncertain significance (1 of 4 stars; one submission).

Conditions:
Werner syndrome (WRN). Identifiers: Orphanet 902, MedGen C0043119, MONDO:0010196, OMIM 277700.

Allele frequency attached by ClinVar (database versions not stated): ExAC 0.00002; gnomAD 0.00002; gnomAD exomes 0.00002.
gnomAD v4.1: 34 of 1,613,208 alleles (0.0021%); highest among the groups gnomAD compares: Non-Finnish European, 0.0025%; no homozygotes.

Submission:

Labcorp Genetics (formerly Invitae), Labcorp
Classification: Uncertain significance for Werner syndrome. Last evaluated: 2020-07-13. Review status: criteria provided, single submitter. Criteria: Invitae Variant Classification Sherloc (09022015). Collection method: clinical testing. Allele origin: germline.
Comment: This sequence change replaces cysteine with tyrosine at codon 1367 of the WRN protein (p.Cys1367Tyr). The cysteine residue is moderately conserved and there is a large physicochemical difference between cysteine and tyrosine. This variant is present in population databases (rs781583408, ExAC 0.003%). This variant has not been reported in the literature in individuals with WRN-related conditions. Algorithms developed to predict the effect of missense changes on protein structure and function are either unavailable or do not agree on the potential impact of this missense change (SIFT: Not Available; PolyPhen-2: Benign; Align-GVGD: Not Available). In summary, the available evidence is currently insufficient to determine the role of this variant in disease. Therefore, it has been classified as a Variant of Uncertain Significance.

NM_000553.6(WRN):c.4100G>A (p.Cys1367Tyr)

Gene: WRN (WRN RecQ like helicase; plus strand). Cytogenetic location: 8p12.
Variant type: single nucleotide variant.
Coding change: c.4100G>A on transcript NM_000553.6 (MANE Select); coding-DNA position 4100, G replaced by A.
Protein change: p.Cys1367Tyr; replaces cysteine 1367 with tyrosine.
Molecular consequence: missense variant.
Genome position (GRCh38, 1-based): chr8:31,167,139, G>A. VCF-style: chr8-31167139-G-A. GRCh37 (hg19) VCF-style: chr8-31024655-G-A.
Other names: short protein forms C1367Y.
Identifiers: ClinVar variation 1021333 (VCV001021333.1), dbSNP rs781583408, ClinGen allele CA4705260.